The following is an entry in ClinVar:

NM_006565.4(CTCF):c.1999+1G>A

Gene: CTCF (CCCTC-binding factor; plus strand). Cytogenetic location: 16q22.1.
Variant type: single nucleotide variant.
Coding change: c.1999+1G>A on transcript NM_006565.4 (MANE Select); the canonical splice donor site of the intron after coding-DNA position 1999, G replaced by A.
Molecular consequence: splice donor variant.
Genome position (GRCh38, 1-based): chr16:67,636,852, G>A. VCF-style: chr16-67636852-G-A. GRCh37 (hg19) VCF-style: chr16-67670755-G-A.
Other names: c.1999+1G>A (NM_001438969.1, NM_001438968.1, NM_001363916.2); c.1015+1G>A (NM_001191022.2).
Identifiers: ClinVar variation 4813883 (VCV004813883.2).

ClinVar aggregate classification (germline): Pathogenic (1 of 4 stars; one submission).

Submission:

GeneDx
Classification: Pathogenic. Last evaluated: 2026-05-23. Review status: criteria provided, single submitter. Criteria: GeneDx Variant Classification Process June 2021. Collection method: clinical testing. Allele origin: germline.
Comment: Canonical splice site variant predicted to result in an in-frame loss of the adjacent exon in a gene for which loss of function is a known mechanism of disease; Not observed at significant frequency in large population cohorts (gnomAD); Has not been previously published as pathogenic or benign to our knowledge